The following is an entry in ClinVar:

ClinVar aggregate classification (germline): Likely pathogenic (1 of 4 stars; one submission).

Conditions:
Hereditary nonpolyposis colorectal neoplasms. Identifiers: MedGen C0009405, MeSH D003123.

Submission:

Labcorp Genetics (formerly Invitae), Labcorp
Classification: Likely pathogenic for Hereditary nonpolyposis colorectal neoplasms. Last evaluated: 2025-12-23. Review status: criteria provided, single submitter. Criteria: Invitae Variant Classification Sherloc (09022015). Collection method: clinical testing. Allele origin: germline.
Comment: This sequence change affects an acceptor splice site in intron 13 of the PMS2 gene. It is expected to disrupt RNA splicing. Variants that disrupt the donor or acceptor splice site typically lead to a loss of protein function (PMID: 16199547), and loss-of-function variants in PMS2 are known to be pathogenic (PMID: 21376568, 24362816). The frequency data for this variant in the population databases (gnomAD) is considered unreliable due to the presence of homologous sequence, such as pseudogenes or paralogs, in the genome. This variant has not been reported in the literature in individuals affected with PMS2-related conditions. Algorithms developed to predict the effect of sequence changes on RNA splicing suggest that this variant may disrupt the consensus splice site. In summary, the currently available evidence indicates that the variant is pathogenic, but additional data are needed to prove that conclusively. Therefore, this variant has been classified as Likely Pathogenic.

Literature cited by the submitters: PubMed 16199547; PubMed 21376568; PubMed 24362816.

NM_000535.7(PMS2):c.2276-1G>T

Gene: PMS2 (PMS1 homolog 2, mismatch repair system component; minus strand). Cytogenetic location: 7p22.1.
Variant type: single nucleotide variant.
Coding change: c.2276-1G>T on transcript NM_000535.7 (MANE Select); the canonical splice acceptor site of the intron before coding-DNA position 2276, G replaced by T.
Molecular consequence: splice acceptor variant. On other transcripts: missense variant (7), intron variant (2).
Genome position (GRCh38, 1-based): chr7:5,977,758, C>A on the plus strand (G>T on the coding strand, the complement: PMS2 is on the minus strand). VCF-style: chr7-5977758-C-A. GRCh37 (hg19) VCF-style: chr7-6017389-C-A.
Other names: c.1903G>T, p.Ala635Ser (NM_001322009.2, NM_001406887.1, NM_001406888.1); c.2308G>T, p.Ala770Ser (NM_001322014.2); c.2152G>T, p.Ala718Ser (NM_001406870.1); c.1999G>T, p.Ala667Ser (NM_001406875.1); c.1990G>T, p.Ala664Ser (NM_001406876.1); c.1958-1G>T (NM_001322008.2, NM_001406883.1, NM_001322007.2); c.1967-1G>T (NM_001406881.1, NM_001406879.1, NM_001322015.2 and 4 more transcripts); c.1871-1G>T (NM_001406895.1, NM_001322004.2, NM_001406889.1 and 11 more transcripts); and 20 more; short protein forms A635S, A664S, A718S, A770S, A667S.
Identifiers: ClinVar variation 4733961 (VCV004733961.1).